The following is an entry in ClinVar:

ClinVar aggregate classification (germline): Likely pathogenic (1 of 4 stars; one submission).

Conditions:
Nephronophthisis. Also called: Juvenile Nephronophthisis. Identifiers: Orphanet 655, MedGen C0687120, MONDO:0019005, HP:0000090.

Submission:

Labcorp Genetics (formerly Invitae), Labcorp
Classification: Likely pathogenic for Nephronophthisis. Last evaluated: 2023-12-14. Review status: criteria provided, single submitter. Criteria: Invitae Variant Classification Sherloc (09022015). Collection method: clinical testing. Allele origin: unknown.
Comment: This variant results in a copy number gain of the genomic region encompassing exon(s) 5 of the NPHP1 gene. While the exact position of this variant cannot be determined from the data, sub-genic copy number gains are generally in tandem (PMID: 25640679). This variant is predicted to be out-of-frame, and may result in an absent or disrupted protein product. Loss-of-function variants in NPHP1 are known to be pathogenic (PMID: 23559409). This variant has not been reported in the literature in individuals affected with NPHP1-related conditions. In summary, the currently available evidence indicates that the variant is pathogenic, but additional data are needed to prove that conclusively. Therefore, this variant has been classified as Likely Pathogenic.

Literature cited by the submitters: PubMed 25640679; PubMed 23559409.

NC_000002.11:g.(?_110927363)_(110927595_?)dup

Gene: NPHP1 (nephrocystin 1; minus strand). Cytogenetic location: 2q13.
Variant type: Duplication.
Identifiers: ClinVar variation 3247205 (VCV003247205.1).